The following is an entry in ClinVar:

ClinVar aggregate classification (germline): Likely pathogenic (1 of 4 stars; one submission).

Conditions:
Sulfite oxidase deficiency. Also called: Isolated sulfite oxidase deficiency. Identifiers: Orphanet 833, Orphanet 99731, MedGen C0268624, MONDO:0010089, OMIM 272300, HP:0003643.

Allele frequency attached by ClinVar (database versions not stated): gnomAD exomes below 0.00001; ExAC 0.00001.
gnomAD v4.1: 2 of 1,614,108 alleles (0.00012%); highest among the groups gnomAD compares: African/African-American, 0.0013%; no homozygotes.

Submission:

Labcorp Genetics (formerly Invitae), Labcorp
Classification: Likely pathogenic for Sulfite oxidase deficiency. Last evaluated: 2022-06-13. Review status: criteria provided, single submitter. Criteria: Invitae Variant Classification Sherloc (09022015). Collection method: clinical testing. Allele origin: germline.
Comment: This sequence change creates a premature translational stop signal (p.Arg529*) in the SUOX gene. While this is not anticipated to result in nonsense mediated decay, it is expected to disrupt the last 17 amino acid(s) of the SUOX protein. This variant is present in population databases (rs766949012, gnomAD 0.005%). This premature translational stop signal has been observed in individual(s) with sulfite oxidase deficiency (PMID: 17940249, 28980090). This variant is also known as p.R472X. In summary, the currently available evidence indicates that the variant is pathogenic, but additional data are needed to prove that conclusively. Therefore, this variant has been classified as Likely Pathogenic.

Literature cited by the submitters: PubMed 17940249; PubMed 28980090.

NM_001032386.2(SUOX):c.1585C>T (p.Arg529Ter)

Gene: SUOX (sulfite oxidase; plus strand). Cytogenetic location: 12q13.2.
Variant type: single nucleotide variant.
Coding change: c.1585C>T on transcript NM_001032386.2 (MANE Select); coding-DNA position 1585, C replaced by T.
Protein change: p.Arg529Ter; replaces arginine 529 with a stop codon.
Molecular consequence: nonsense.
Genome position (GRCh38, 1-based): chr12:56,004,974, C>T. VCF-style: chr12-56004974-C-T. GRCh37 (hg19) VCF-style: chr12-56398758-C-T.
Other names: c.1585C>T, p.Arg529Ter (NM_000456.3, NM_001032387.2); short protein forms R529*.
Identifiers: ClinVar variation 2005432 (VCV002005432.4), dbSNP rs766949012, ClinGen allele CA6621185.